The following is an entry in ClinVar:

ClinVar aggregate classification (germline): Likely benign (0 of 4 stars; one submission).

Conditions:
PLXNA3-related disorder. Also called: PLXNA3-related condition.

gnomAD v4.1: 1 of 1,209,216 alleles (0.000083%); highest among the groups gnomAD compares: Admixed American, 0.0022%; no homozygotes.

Submission:

PreventionGenetics, part of Exact Sciences
Classification: Likely benign for PLXNA3-related condition. Last evaluated: 2023-10-09. Review status: no assertion criteria provided. Collection method: clinical testing. Allele origin: germline.
Comment: This variant is classified as likely benign based on ACMG/AMP sequence variant interpretation guidelines (Richards et al. 2015 PMID: 25741868, with internal and published modifications).

NM_017514.5(PLXNA3):c.2775G>A (p.Gln925=)

Gene: PLXNA3 (plexin A3; plus strand). Cytogenetic location: Xq28.
Variant type: single nucleotide variant.
Coding change: c.2775G>A on transcript NM_017514.5 (MANE Select); coding-DNA position 2775, G replaced by A.
Protein change: p.Gln925=; no amino-acid change (glutamine 925 retained).
Molecular consequence: synonymous variant.
Genome position (GRCh38, 1-based): chrX:154,466,246, G>A. VCF-style: chrX-154466246-G-A. GRCh37 (hg19) VCF-style: chrX-153694589-G-A.
Identifiers: ClinVar variation 3348207 (VCV003348207.1).